The following is an entry in ClinVar:

NM_002693.3(POLG):c.144_145delinsTT (p.Gln48_Gln49delinsHisTer)

Genes: POLG (DNA polymerase gamma, catalytic subunit; minus strand), POLGARF (POLG alternative reading frame; minus strand). Cytogenetic location: 15q26.1.
Variant type: Indel.
Coding change: c.144_145delinsTT on transcript NM_002693.3 (MANE Select); coding-DNA positions 144 to 145, GC replaced by TT.
Protein change: p.Gln48_Gln49delinsHisTer.
Molecular consequence: nonsense. On other transcripts: missense variant (1).
Genome position (GRCh38, 1-based): chr15:89,333,610-89,333,611, GC replaced by AA on the plus strand (GC replaced by TT on the coding strand, the reverse complement: POLG is on the minus strand). VCF-style: chr15-89333610-GC-AA. GRCh37 (hg19) VCF-style: chr15-89876841-GC-AA.
Other names: c.199_200delinsTT, p.Ala67Leu (NM_001430120.1); c.144_145delinsTT, p.Gln48_Gln49delinsHisTer (NM_001126131.2); short protein forms A67L.
Identifiers: ClinVar variation 4717825 (VCV004717825.1).

ClinVar aggregate classification (germline): Pathogenic (1 of 4 stars; one submission).

Conditions:
Progressive sclerosing poliodystrophy (MTDPS4A). Also called: Mitochondrial DNA depletion syndrome 4A (Alpers type); ALPERS PROGRESSIVE INFANTILE POLIODYSTROPHY; NEURONAL DEGENERATION OF CHILDHOOD WITH LIVER DISEASE, PROGRESSIVE; Alpers Syndrome; ALPERS DIFFUSE DEGENERATION OF CEREBRAL GRAY MATTER WITH HEPATIC CIRRHOSIS; Alpers-Huttenlocher Syndrome. Identifiers: Orphanet 726, MedGen C0205710, MONDO:0008758, OMIM 203700.

Submission:

Labcorp Genetics (formerly Invitae), Labcorp
Classification: Pathogenic for Progressive sclerosing poliodystrophy. Last evaluated: 2025-04-23. Review status: criteria provided, single submitter. Criteria: Invitae Variant Classification Sherloc (09022015). Collection method: clinical testing. Allele origin: germline.
Comment: This sequence change creates a premature translational stop signal (p.Gln48_Gln49delinsHis*) in the POLG gene. It is expected to result in an absent or disrupted protein product. Loss-of-function variants in POLG are known to be pathogenic (PMID: 18546365). Information on the frequency of this variant in the gnomAD database is not available, as this variant may be reported differently in the database. This variant has not been reported in the literature in individuals affected with POLG-related conditions. For these reasons, this variant has been classified as Pathogenic.

Literature cited by the submitters: PubMed 18546365.